The following is an entry in ClinVar:

ClinVar aggregate classification (germline): Uncertain significance (1 of 4 stars; one submission).

Submission:

GeneDx
Classification: Uncertain significance. Last evaluated: 2025-07-09. Review status: criteria provided, single submitter. Criteria: GeneDx Variant Classification Process June 2021. Collection method: clinical testing. Allele origin: germline. Affected: yes.
Comment: Not observed at significant frequency in large population cohorts (gnomAD); In-frame deletion of 5 amino acid(s) in a non-repeat region; In silico analysis supports a deleterious effect on protein structure/function; Has not been previously published as pathogenic or benign to our knowledge

NM_014712.3(SETD1A):c.708_722del (p.Gly238_Pro242del)

Gene: SETD1A (SET domain containing 1A, histone lysine methyltransferase; plus strand). Cytogenetic location: 16p11.2.
Variant type: Deletion.
Coding change: c.708_722del on transcript NM_014712.3 (MANE Select); coding-DNA positions 708 to 722, 15 bases deleted (TCCTGGCAACGGCAC).
Protein change: p.Gly238_Pro242del.
Molecular consequence: inframe deletion.
Genome position (GRCh38, 1-based): chr16:30,964,162-30,964,176, TCCTGGCAACGGCAC deleted; deleting any 15 consecutive bases within chr16:30,964,157-30,964,176 gives the same sequence; the c. name uses the placement nearest the transcript's 3' end. VCF-style (leftmost placement, unchanged base first): chr16-30964156-GGGCACTCCTGGCAAC-G. GRCh37 (hg19) VCF-style: chr16-30975477-GGGCACTCCTGGCAAC-G.
Identifiers: ClinVar variation 4685421 (VCV004685421.1).